The following is an entry in ClinVar:

NM_002225.5(IVD):c.887A>T (p.Gln296Leu)

Gene: IVD (isovaleryl-CoA dehydrogenase; plus strand). Cytogenetic location: 15q15.1.
Variant type: single nucleotide variant.
Coding change: c.887A>T on transcript NM_002225.5 (MANE Select); coding-DNA position 887, A replaced by T.
Protein change: p.Gln296Leu; replaces glutamine 296 with leucine.
Molecular consequence: missense variant. On other transcripts: non-coding transcript variant (1).
Genome position (GRCh38, 1-based): chr15:40,415,409, A>T. VCF-style: chr15-40415409-A-T. GRCh37 (hg19) VCF-style: chr15-40707608-A-T.
Other names: c.797A>T, p.Gln266Leu (NM_001159508.3); c.839A>T, p.Gln280Leu (NM_001354597.3); c.887A>T, p.Gln296Leu (NM_001354598.3, NM_001354601.3); c.974A>T, p.Gln325Leu (NM_001354599.3, NM_001354600.3); short protein forms Q325L, Q296L, Q266L, Q280L.
Identifiers: ClinVar variation 657081 (VCV000657081.7), dbSNP rs1595786862, ClinGen allele CA391721284.

ClinVar aggregate classification (germline): Uncertain significance (1 of 4 stars; one submission).

Conditions:
Isovaleryl-CoA dehydrogenase deficiency (IVA). Also called: Isovaleric acidemia; IVD DEFICIENCY; ISOVALERIC ACID CoA DEHYDROGENASE DEFICIENCY; Classic Isovaleric Acidemia. Identifiers: Orphanet 33, MedGen C0268575, MONDO:0009475, OMIM 243500.

Allele frequency attached by ClinVar (database versions not stated): gnomAD exomes below 0.00001.
gnomAD v4.1: 4 of 1,614,128 alleles (0.00025%); highest among the groups gnomAD compares: Non-Finnish European, 0.00034%; no homozygotes.

Submission:

Labcorp Genetics (formerly Invitae), Labcorp
Classification: Uncertain significance for Isovaleryl-CoA dehydrogenase deficiency. Last evaluated: 2025-10-22. Review status: criteria provided, single submitter. Criteria: Invitae Variant Classification Sherloc (09022015). Collection method: clinical testing. Allele origin: germline.
Comment: This sequence change replaces glutamine, which is neutral and polar, with leucine, which is neutral and non-polar, at codon 299 of the IVD protein (p.Gln299Leu). This variant is not present in population databases (gnomAD no frequency). This missense change has been observed in individual(s) with isovaleric acidemia (internal data). In at least one individual the data is consistent with being in trans (on the opposite chromosome) from a pathogenic variant. ClinVar contains an entry for this variant (Variation ID: 657081). An algorithm developed to predict the effect of missense changes on protein structure and function (PolyPhen-2) suggests that this variant is likely to be disruptive. In summary, the available evidence is currently insufficient to determine the role of this variant in disease. Therefore, it has been classified as a Variant of Uncertain Significance.